The following is an entry in ClinVar:

NM_019098.5(CNGB3):c.339-4415_673del

Gene: CNGB3 (cyclic nucleotide gated channel subunit beta 3; minus strand). Cytogenetic location: 8q21.3.
Variant type: Deletion.
Coding change: c.339-4415_673del on transcript NM_019098.5 (MANE Select); 4415 bases into the intron before coding-DNA position 339 through coding-DNA position 673, 8,410 bases deleted.
Molecular consequence: splice acceptor variant, splice donor variant.
Genome position (GRCh38, 1-based): chr8:86,667,104-86,675,513, 8,410 bases deleted. GRCh37 (hg19): chr8:87,679,339-87,687,748.
Identifiers: ClinVar variation 521713 (VCV000521713.3), ClinGen allele CA658797120.

ClinVar aggregate classification (germline): Pathogenic (1 of 4 stars; one submission).

Conditions:
Inborn genetic diseases. Identifiers: MedGen C0950123, MeSH D030342.

Submission:

Ambry Genetics
Classification: Pathogenic for Hereditary disease. Last evaluated: 2017-06-01. Review status: criteria provided, single submitter. Criteria: ambry_reporting_categories_2017. Collection method: clinical testing. Allele origin: germline. Affected: yes. Observed: 1 homozygote. Segregation with disease observed.
Comment: Lines of evidence used in support of classification: POSITIVE: Relevant Alteration(s) Detected

Literature cited by the submitters: PubMed 26106334; PubMed 15657609.